The following is an entry in ClinVar:

NM_006846.4(SPINK5):c.1897G>A (p.Asp633Asn)

Gene: SPINK5 (serine peptidase inhibitor Kazal type 5; plus strand). Cytogenetic location: 5q32.
Variant type: single nucleotide variant.
Coding change: c.1897G>A on transcript NM_006846.4 (MANE Select); coding-DNA position 1897, G replaced by A.
Protein change: p.Asp633Asn; replaces aspartic acid 633 with asparagine.
Molecular consequence: missense variant.
Genome position (GRCh38, 1-based): chr5:148,114,371, G>A. VCF-style: chr5-148114371-G-A. GRCh37 (hg19) VCF-style: chr5-147493934-G-A.
Other names: c.1897G>A, p.Asp633Asn (NM_001127698.2, NM_001127699.2); short protein forms D633N.
Identifiers: ClinVar variation 907492 (VCV000907492.10), dbSNP rs754319450, ClinGen allele CA3495794.

ClinVar aggregate classification (germline): Uncertain significance. Review status: criteria provided, multiple submitters, no conflicts (2 of 4 stars). 3 submissions from 3 submitters: Uncertain significance (3). Last evaluated 2023-02-28.

Conditions:
Inborn genetic diseases. Identifiers: MedGen C0950123, MeSH D030342.
Ichthyosis linearis circumflexa. Identifiers: MedGen C0265962, MONDO:0043106, HP:0025810.
Netherton syndrome (NETH). Also called: ERYTHRODERMA, ICHTHYOSIFORM, WITH HYPOTRICHOSIS AND HYPER-IgE; COMEL-NETHERTON SYNDROME; NETHERTON DISEASE. Identifiers: Orphanet 634, MedGen C5574950, MONDO:0009735, OMIM 256500.

Allele frequency attached by ClinVar (database versions not stated): TOPMed 0.00002; gnomAD exomes 0.00003; ExAC 0.00004.

Submissions (3):

Ambry Genetics
Classification: Uncertain significance for Inborn genetic diseases. Last evaluated: 2023-02-28. Review status: criteria provided, single submitter. Criteria: Ambry Variant Classification Scheme 2023. Collection method: clinical testing. Allele origin: germline.

Labcorp Genetics (formerly Invitae), Labcorp
Classification: Uncertain significance for Ichthyosis linearis circumflexa. Last evaluated: 2022-05-04. Review status: criteria provided, single submitter. Criteria: Invitae Variant Classification Sherloc (09022015). Collection method: clinical testing. Allele origin: germline.
Comment: This sequence change replaces aspartic acid, which is acidic and polar, with asparagine, which is neutral and polar, at codon 633 of the SPINK5 protein (p.Asp633Asn). In summary, the available evidence is currently insufficient to determine the role of this variant in disease. Therefore, it has been classified as a Variant of Uncertain Significance. Algorithms developed to predict the effect of missense changes on protein structure and function output the following: SIFT: "Tolerated"; PolyPhen-2: "Benign"; Align-GVGD: "Class C0". The asparagine amino acid residue is found in multiple mammalian species, which suggests that this missense change does not adversely affect protein function. ClinVar contains an entry for this variant (Variation ID: 907492). This variant has not been reported in the literature in individuals affected with SPINK5-related conditions. This variant is present in population databases (rs754319450, gnomAD 0.007%).

Illumina Laboratory Services, Illumina
Classification: Uncertain significance for Netherton syndrome. Last evaluated: 2018-01-15. Review status: criteria provided, single submitter. Criteria: ICSL Variant Classification Criteria 13 December 2019. Collection method: clinical testing. Allele origin: germline.